The following is an entry in ClinVar:

NM_177400.3(NKX6-2):c.342G>C (p.Pro114=)

Gene: NKX6-2 (NK6 homeobox 2; minus strand). Cytogenetic location: 10q26.3.
Variant type: single nucleotide variant.
Coding change: c.342G>C on transcript NM_177400.3 (MANE Select); coding-DNA position 342, G replaced by C.
Protein change: p.Pro114=; no amino-acid change (proline 114 retained).
Molecular consequence: synonymous variant.
Genome position (GRCh38, 1-based): chr10:132,785,607, C>G on the plus strand (G>C on the coding strand, the complement: NKX6-2 is on the minus strand). VCF-style: chr10-132785607-C-G. GRCh37 (hg19) VCF-style: chr10-134599111-C-G.
Identifiers: ClinVar variation 3030383 (VCV003030383.2), dbSNP rs2493481340, ClinGen allele CA471962758.

ClinVar aggregate classification (germline): Likely benign (0 of 4 stars; one submission).

Conditions:
NKX6-2-related disorder. Also called: NKX6-2-related condition. Identifiers: MedGen CN381060.

Submission:

PreventionGenetics, part of Exact Sciences
Classification: Likely benign for NKX6-2-related condition. Last evaluated: 2022-10-17. Review status: no assertion criteria provided. Collection method: clinical testing. Allele origin: germline.
Comment: This variant is classified as likely benign based on ACMG/AMP sequence variant interpretation guidelines (Richards et al. 2015 PMID: 25741868, with internal and published modifications).